The following is an entry in ClinVar:

NM_206937.2(LIG4):c.2273A>G (p.Tyr758Cys)

Gene: LIG4 (DNA ligase 4; minus strand). Cytogenetic location: 13q33.3.
Variant type: single nucleotide variant.
Coding change: c.2273A>G on transcript NM_206937.2 (MANE Select); coding-DNA position 2273, A replaced by G.
Protein change: p.Tyr758Cys; replaces tyrosine 758 with cysteine.
Molecular consequence: missense variant.
Genome position (GRCh38, 1-based): chr13:108,208,996, T>C on the plus strand (A>G on the coding strand, the complement: LIG4 is on the minus strand). VCF-style: chr13-108208996-T-C. GRCh37 (hg19) VCF-style: chr13-108861344-T-C.
Other names: c.2273A>G, p.Tyr758Cys (NM_001098268.2, NM_001352598.2, NM_001352599.2 and 6 more transcripts); c.2072A>G, p.Tyr691Cys (NM_001330595.2); c.2309A>G, p.Tyr770Cys (NM_001352604.2); short protein forms Y691C, Y758C, Y770C.
Identifiers: ClinVar variation 1003823 (VCV001003823.6), dbSNP rs778190953, ClinGen allele CA7043534.
Genomic context (GRCh38, chr13:108,208,996, plus strand): 5'-AATACTTCCTTCAGTTGGTTCAAGTCTGTATCAATGAAATAACTATCACCATAGCAATCA[T>C]ATTCACGGGCAAAATGTTCTTTGGTTGATGGGCACATATGAATCATAAAGCGAGGCTGCC-3'
Protein context (NP_996820.1, residues 748-768): PSTKEHFARE[Tyr758Cys]DCYGDSYFID

ClinVar aggregate classification (germline): Uncertain significance. Review status: criteria provided, multiple submitters, no conflicts (2 of 4 stars). 2 submissions from 2 submitters: Uncertain significance (2). Last evaluated 2024-05-24.

Conditions:
Inborn genetic diseases. Identifiers: MedGen C0950123, MeSH D030342.
DNA ligase IV deficiency. Identifiers: Orphanet 99812, MedGen C1847827, MONDO:0011686, OMIM 606593.

Allele frequency attached by ClinVar (database versions not stated): ExAC 0.00001; gnomAD 0.00001; gnomAD exomes 0.00001; TOPMed 0.00001.
gnomAD v4.1: 21 of 1,614,164 alleles (0.0013%); highest among the groups gnomAD compares: East Asian, 0.0089%; no homozygotes.

Submissions (2):

Ambry Genetics
Classification: Uncertain significance for Inborn genetic diseases. Last evaluated: 2024-05-24. Review status: criteria provided, single submitter. Criteria: Ambry Variant Classification Scheme 2023. Collection method: clinical testing. Allele origin: germline.

Labcorp Genetics (formerly Invitae), Labcorp
Classification: Uncertain significance for DNA ligase IV deficiency. Last evaluated: 2021-08-28. Review status: criteria provided, single submitter. Criteria: Invitae Variant Classification Sherloc (09022015). Collection method: clinical testing. Allele origin: germline.
Comment: This sequence change replaces tyrosine with cysteine at codon 758 of the LIG4 protein (p.Tyr758Cys). The tyrosine residue is moderately conserved and there is a large physicochemical difference between tyrosine and cysteine. This variant is present in population databases (rs778190953, ExAC 0.002%). This variant has not been reported in the literature in individuals affected with LIG4-related conditions. Algorithms developed to predict the effect of missense changes on protein structure and function are either unavailable or do not agree on the potential impact of this missense change (SIFT: "Deleterious"; PolyPhen-2: "Probably Damaging"; Align-GVGD: "Class C0"). In summary, the available evidence is currently insufficient to determine the role of this variant in disease. Therefore, it has been classified as a Variant of Uncertain Significance.